The following is an entry in ClinVar:

ClinVar aggregate classification (germline): Uncertain significance (1 of 4 stars; one submission).

Conditions:
Leber congenital amaurosis 1 (LCA1). Also called: Congenital absence of the rods and cones; Leber's congenital tapetoretinal degeneration; Leber's congenital tapetoretinal dysplasia; AMAUROSIS CONGENITA OF LEBER I; RETINAL BLINDNESS, CONGENITAL. Identifiers: Orphanet 65, MedGen C2931258, MONDO:0008764, OMIM 204000.
Cone-rod dystrophy 6 (CORD6). Also called: Cone dystrophy progressive; RETINAL CONE DYSTROPHY 2. Identifiers: Orphanet 1872, MedGen C1866293, MONDO:0011143, OMIM 601777.

Submission:

Labcorp Genetics (formerly Invitae), Labcorp
Classification: Uncertain significance for Leber congenital amaurosis 1; Cone-rod dystrophy 6. Last evaluated: 2023-03-08. Review status: criteria provided, single submitter. Criteria: Invitae Variant Classification Sherloc (09022015). Collection method: clinical testing. Allele origin: germline.
Comment: This sequence change falls in intron 2 of the GUCY2D gene. It does not directly change the encoded amino acid sequence of the GUCY2D protein. This variant is not present in population databases (gnomAD no frequency). This variant has not been reported in the literature in individuals affected with GUCY2D-related conditions. Algorithms developed to predict the effect of sequence changes on RNA splicing suggest that this variant may create or strengthen a splice site. In summary, the available evidence is currently insufficient to determine the role of this variant in disease. Therefore, it has been classified as a Variant of Uncertain Significance.

NM_000180.4(GUCY2D):c.722-17C>T

Gene: GUCY2D (guanylate cyclase 2D, retinal; plus strand). Cytogenetic location: 17p13.1.
Variant type: single nucleotide variant.
Coding change: c.722-17C>T on transcript NM_000180.4 (MANE Select); 17 bases into the intron before coding-DNA position 722, C replaced by T.
Molecular consequence: intron variant.
Genome position (GRCh38, 1-based): chr17:8,003,835, C>T. VCF-style: chr17-8003835-C-T. GRCh37 (hg19) VCF-style: chr17-7907153-C-T.
Identifiers: ClinVar variation 2945134 (VCV002945134.3), dbSNP rs1598144504, ClinGen allele CA2740095228.